The following is an entry in ClinVar:

ClinVar aggregate classification (germline): Uncertain significance. Review status: criteria provided, multiple submitters, no conflicts (2 of 4 stars). 2 submissions from 2 submitters: Uncertain significance (2). Last evaluated 2024-08-15.

Conditions:
Inborn genetic diseases. Identifiers: MedGen C0950123, MeSH D030342.

Allele frequency attached by ClinVar (database versions not stated): ExAC 0.00001; gnomAD 0.00001; TOPMed 0.00003.
gnomAD v4.1: 6 of 1,613,884 alleles (0.00037%); highest among the groups gnomAD compares: Admixed American, 0.0017%; no homozygotes.

Submissions (2):

Ambry Genetics
Classification: Uncertain significance for Inborn genetic diseases. Last evaluated: 2024-08-15. Review status: criteria provided, single submitter. Criteria: Ambry Variant Classification Scheme 2023. Collection method: clinical testing. Allele origin: germline.

Labcorp Genetics (formerly Invitae), Labcorp
Classification: Uncertain significance. Last evaluated: 2022-07-25. Review status: criteria provided, single submitter. Criteria: Invitae Variant Classification Sherloc (09022015). Collection method: clinical testing. Allele origin: germline.
Comment: Algorithms developed to predict the effect of missense changes on protein structure and function output the following: SIFT: "Not Available"; PolyPhen-2: "Possibly Damaging"; Align-GVGD: "Not Available". The serine amino acid residue is found in multiple mammalian species, which suggests that this missense change does not adversely affect protein function. In summary, the available evidence is currently insufficient to determine the role of this variant in disease. Therefore, it has been classified as a Variant of Uncertain Significance. This variant has not been reported in the literature in individuals affected with SHANK1-related conditions. This variant is present in population databases (rs751125503, gnomAD 0.0009%). This sequence change replaces threonine, which is neutral and polar, with serine, which is neutral and polar, at codon 124 of the SHANK1 protein (p.Thr124Ser).

NM_016148.5(SHANK1):c.370A>T (p.Thr124Ser)

Gene: SHANK1 (SH3 and multiple ankyrin repeat domains 1; minus strand). Cytogenetic location: 19q13.33.
Variant type: single nucleotide variant.
Coding change: c.370A>T on transcript NM_016148.5 (MANE Select); coding-DNA position 370, A replaced by T.
Protein change: p.Thr124Ser; replaces threonine 124 with serine.
Molecular consequence: missense variant.
Genome position (GRCh38, 1-based): chr19:50,716,364, T>A on the plus strand (A>T on the coding strand, the complement: SHANK1 is on the minus strand). VCF-style: chr19-50716364-T-A. GRCh37 (hg19) VCF-style: chr19-51219621-T-A.
Other names: c.370A>T (NM_016148.2); short protein forms T124S.
Identifiers: ClinVar variation 2177727 (VCV002177727.5), dbSNP rs751125503, ClinGen allele CA9602182.